The following is an entry in ClinVar:

NM_033380.3(COL4A5):c.4837dup (p.Ala1613fs)

Gene: COL4A5 (collagen type IV alpha 5 chain; plus strand). Cytogenetic location: Xq22.3.
Variant type: Duplication.
Coding change: c.4837dup on transcript NM_033380.3 (MANE Select); coding-DNA position 4837, one base duplicated (G; older notation c.4837dupG).
Protein change: p.Ala1613fs; shifts the reading frame from alanine 1613.
Molecular consequence: frameshift variant.
Genome position (GRCh38, 1-based): chrX:108,695,282, G duplicated; the last of 4 consecutive G bases (chrX:108,695,279-108,695,282); duplicating any one gives the same sequence. VCF-style (leftmost placement, unchanged base first): chrX-108695278-A-AG. GRCh37 (hg19) VCF-style: chrX-107938508-A-AG.
Other names: c.4819dup, p.Ala1607fs (NM_000495.5); c.4837dup (NM_033380.1); short protein forms A1607fs, A1613fs.
Identifiers: ClinVar variation 3730858 (VCV003730858.1), dbSNP rs1569509307.

ClinVar aggregate classification (germline): Likely pathogenic (1 of 4 stars; one submission).

Submission:

GeneDx
Classification: Likely pathogenic. Last evaluated: 2023-07-27. Review status: criteria provided, single submitter. Criteria: GeneDx Variant Classification Process June 2021. Collection method: clinical testing. Allele origin: germline. Affected: yes.
Comment: Frameshift variant predicted to result in protein truncation or nonsense mediated decay in a gene for which loss of function is a known mechanism of disease; Not observed at significant frequency in large population cohorts (gnomAD); This variant is associated with the following publications: (PMID: 29270492)